The following is an entry in ClinVar:

ClinVar aggregate classification (germline): Uncertain significance. Review status: criteria provided, multiple submitters, no conflicts (2 of 4 stars). 3 submissions from 3 submitters: Uncertain significance (3). Last evaluated 2024-07-01.

Conditions:
Hereditary cancer-predisposing syndrome. Also called: Tumor predisposition; Hereditary Cancer Syndrome; Neoplastic Syndromes, Hereditary; Hereditary neoplastic syndrome. Identifiers: Orphanet 140162, MedGen C0027672, MeSH D009386, MONDO:0015356.
Breast-ovarian cancer, familial, susceptibility to, 2 (BROVCA2). Also called: BRCA2 Hereditary Breast and Ovarian Cancer. Identifiers: Orphanet 145, MedGen C2675520, MONDO:0012933, OMIM 612555. Disease mechanism: loss of function.
Hereditary breast ovarian cancer syndrome. Also called: BRCA1- and BRCA2-Associated Hereditary Breast and Ovarian Cancer; Hereditary breast and ovarian cancer; Hereditary breast and ovarian cancer syndrome (HBOC); Hereditary breast and ovarian cancer syndrome; Breast and ovarian cancer; Hereditary breast and/or ovarian cancer syndrome. Identifiers: Orphanet 145, MedGen C0677776, MeSH D061325, MONDO:0003582. Disease mechanism: loss of function.

Submissions (3):

Ambry Genetics
Classification: Uncertain significance for Hereditary cancer-predisposing syndrome. Last evaluated: 2024-07-01. Review status: criteria provided, single submitter. Criteria: Ambry Variant Classification Scheme 2023. Collection method: clinical testing. Allele origin: germline.
Comment: The p.Q2464H variant (also known as c.7392A>C), located in coding exon 13 of the BRCA2 gene, results from an A to C substitution at nucleotide position 7392. The glutamine at codon 2464 is replaced by histidine, an amino acid with highly similar properties. This amino acid position is conserved. In addition, this alteration is predicted to be tolerated by in silico analysis. Based on the available evidence, the clinical significance of this variant remains unclear.

All of Us Research Program, National Institutes of Health
Classification: Uncertain significance for Breast-ovarian cancer, familial, susceptibility to, 2. Last evaluated: 2023-05-16. Review status: criteria provided, single submitter. Criteria: ACMG Guidelines, 2015. Collection method: clinical testing. Allele origin: germline. Inheritance: Autosomal dominant inheritance. Observed: 1 variant allele, 1 heterozygote.
Comment: This missense variant replaces glutamine with histidine at codon 2464 of the BRCA2 protein. Computational prediction suggests that this variant may not impact protein structure and function (internally defined REVEL score threshold <= 0.5, PMID: 27666373). To our knowledge, functional studies have not been reported for this variant. This variant has not been reported in individuals affected with BRCA2-related disorders in the literature, although it has been reported in an unaffected individual (PMID: 33471991; Leiden Open Variation Database DB-ID BRCA2_008593). This variant has not been identified in the general population by the Genome Aggregation Database (gnomAD). The available evidence is insufficient to determine the role of this variant in disease conclusively. Therefore, this variant is classified as a Variant of Uncertain Significance.

This study involves interpretation of variants in research participants for the purpose of population health screening. Participant phenotype was not available at the time of variant classification. Additional details can be found in publication PMID: 35346344, PMCID: PMC8962531

Labcorp Genetics (formerly Invitae), Labcorp
Classification: Uncertain significance for Hereditary breast ovarian cancer syndrome. Last evaluated: 2019-04-22. Review status: criteria provided, single submitter. Criteria: Invitae Variant Classification Sherloc (09022015). Collection method: clinical testing. Allele origin: germline.
Comment: This sequence change replaces glutamine with histidine at codon 2464 of the BRCA2 protein (p.Gln2464His). The glutamine residue is weakly conserved and there is a small physicochemical difference between glutamine and histidine. This variant is not present in population databases (ExAC no frequency). This variant has not been reported in the literature in individuals with BRCA2-related conditions. Algorithms developed to predict the effect of missense changes on protein structure and function are either unavailable or do not agree on the potential impact of this missense change (SIFT: "Tolerated"; PolyPhen-2: "Possibly Damaging"; Align-GVGD: "Class C0"). In summary, the available evidence is currently insufficient to determine the role of this variant in disease. Therefore, it has been classified as a Variant of Uncertain Significance.

Literature cited by the submitters: PubMed 33471991 (cited by All of Us Research Program, National Institutes of Health).

NM_000059.4(BRCA2):c.7392A>C (p.Gln2464His)

Gene: BRCA2 (BRCA2 DNA repair associated; plus strand). Cytogenetic location: 13q13.1.
Variant type: single nucleotide variant.
Coding change: c.7392A>C on transcript NM_000059.4 (MANE Select); coding-DNA position 7392, A replaced by C.
Protein change: p.Gln2464His; replaces glutamine 2464 with histidine.
Molecular consequence: missense variant.
Genome position (GRCh38, 1-based): chr13:32,355,245, A>C. VCF-style: chr13-32355245-A-C. GRCh37 (hg19) VCF-style: chr13-32929382-A-C.
Other names: short protein forms Q2464H.
Identifiers: ClinVar variation 861998 (VCV000861998.12), dbSNP rs1216715022, ClinGen allele CA387741767.
Genomic context (GRCh38, chr13:32,355,245, plus strand): 5'-TAGTAAAAATAAGATTAATGACAATGAGATTCATCAGTTTAACAAAAACAACTCCAATCA[A>C]GCAGTAGCTGTAACTTTCACAAAGTGTGAAGAAGAACCTTTAGGTATTGTATGACAATTT-3'
Protein context (NP_000050.3, residues 2454-2474): IHQFNKNNSN[Gln2464His]AVAVTFTKCE